The following is an entry in ClinVar:

NM_001130438.3(SPTAN1):c.682A>G (p.Thr228Ala)

Gene: SPTAN1 (spectrin alpha, non-erythrocytic 1; plus strand). Cytogenetic location: 9q34.11.
Variant type: single nucleotide variant.
Coding change: c.682A>G on transcript NM_001130438.3 (MANE Select); coding-DNA position 682, A replaced by G.
Protein change: p.Thr228Ala; replaces threonine 228 with alanine.
Molecular consequence: missense variant.
Genome position (GRCh38, 1-based): chr9:128,576,853, A>G. VCF-style: chr9-128576853-A-G. GRCh37 (hg19) VCF-style: chr9-131339132-A-G.
Other names: c.682A>G, p.Thr228Ala (NM_001195532.2, NM_001363759.2, NM_001363765.2 and 5 more transcripts); c.718A>G, p.Thr240Ala (NM_001375312.2, NM_001375318.1); short protein forms T228A, T240A.
Identifiers: ClinVar variation 2813614 (VCV002813614.3), dbSNP rs2541043571, ClinGen allele CA375048070.

ClinVar aggregate classification (germline): Uncertain significance (1 of 4 stars; one submission).

Conditions:
Early-infantile DEE. Also called: Early infantile epileptic encephalopathy; Early infantile epileptic encephalopathy with suppression bursts; Ohtahara syndrome. Identifiers: Orphanet 1934, MedGen C0393706, MONDO:0800491.

Submission:

Labcorp Genetics (formerly Invitae), Labcorp
Classification: Uncertain significance for Early-infantile DEE. Last evaluated: 2022-11-29. Review status: criteria provided, single submitter. Criteria: Invitae Variant Classification Sherloc (09022015). Collection method: clinical testing. Allele origin: germline.
Comment: This variant has not been reported in the literature in individuals affected with SPTAN1-related conditions. In summary, the available evidence is currently insufficient to determine the role of this variant in disease. Therefore, it has been classified as a Variant of Uncertain Significance. Algorithms developed to predict the effect of missense changes on protein structure and function (SIFT, PolyPhen-2, Align-GVGD) all suggest that this variant is likely to be tolerated. This variant is not present in population databases (gnomAD no frequency). This sequence change replaces threonine, which is neutral and polar, with alanine, which is neutral and non-polar, at codon 228 of the SPTAN1 protein (p.Thr228Ala).